The following is an entry in ClinVar:

ClinVar aggregate classification (germline): Uncertain significance (1 of 4 stars; one submission).

Submission:

Labcorp Genetics (formerly Invitae), Labcorp
Classification: Uncertain significance. Last evaluated: 2024-09-19. Review status: criteria provided, single submitter. Criteria: Invitae Variant Classification Sherloc (09022015). Collection method: clinical testing. Allele origin: germline.
Comment: This sequence change replaces arginine, which is basic and polar, with leucine, which is neutral and non-polar, at codon 922 of the HMCN1 protein (p.Arg922Leu). This variant is present in population databases (no rsID available, gnomAD 0.003%). This variant has not been reported in the literature in individuals affected with HMCN1-related conditions. An algorithm developed to predict the effect of missense changes on protein structure and function (PolyPhen-2) suggests that this variant is likely to be disruptive. In summary, the available evidence is currently insufficient to determine the role of this variant in disease. Therefore, it has been classified as a Variant of Uncertain Significance.

NM_031935.3(HMCN1):c.2765G>T (p.Arg922Leu)

Gene: HMCN1 (hemicentin 1; plus strand). Cytogenetic location: 1q31.1.
Variant type: single nucleotide variant.
Coding change: c.2765G>T on transcript NM_031935.3 (MANE Select); coding-DNA position 2765, G replaced by T.
Protein change: p.Arg922Leu; replaces arginine 922 with leucine.
Molecular consequence: missense variant.
Genome position (GRCh38, 1-based): chr1:185,982,364, G>T. VCF-style: chr1-185982364-G-T. GRCh37 (hg19) VCF-style: chr1-185951496-G-T.
Other names: short protein forms R922L.
Identifiers: ClinVar variation 3720102 (VCV003720102.2).